The following is an entry in ClinVar:

ClinVar aggregate classification (germline): Uncertain significance (1 of 4 stars; one submission).

Conditions:
Inborn genetic diseases. Identifiers: MedGen C0950123, MeSH D030342.

Submission:

Ambry Genetics
Classification: Uncertain significance for Inborn genetic diseases. Last evaluated: 2025-11-10. Review status: criteria provided, single submitter. Criteria: Ambry Variant Classification Scheme 2023. Collection method: clinical testing. Allele origin: germline.
Comment: The c.380_382dupACC variant (also known as p.H127dup), located in coding exon 2 of the GATA2 gene, results from an in-frame duplication of ACC at nucleotide positions 380 to 382. This results in the duplication of an extra histidine residue between codons 127 and 128. This amino acid region is well conserved in available vertebrate species. In addition, this variant is predicted to be neutral by in silico analysis (Choi Y et al. PLoS ONE. 2012; 7(10):e46688). Based on the available evidence, the clinical significance of this variant remains unclear.

NM_032638.5(GATA2):c.380_382dup (p.His127_Pro128insHis)

Gene: GATA2 (GATA binding protein 2; minus strand). Cytogenetic location: 3q21.3.
Variant type: Duplication.
Coding change: c.380_382dup on transcript NM_032638.5 (MANE Select); coding-DNA positions 380 to 382, 3 bases duplicated (ACC; older notation c.380_382dupACC).
Protein change: p.His127_Pro128insHis.
Molecular consequence: inframe insertion. On other transcripts: inframe indel (1).
Genome position (GRCh38, 1-based): chr3:128,486,216-128,486,218, GGT duplicated on the plus strand (ACC on the coding strand, the reverse complement: GATA2 is on the minus strand); duplicating any 3 consecutive bases within chr3:128,486,216-128,486,219 gives the same sequence; the c. name uses the placement nearest the transcript's 3' end. VCF-style (leftmost placement, unchanged base first): chr3-128486215-G-GGGT. GRCh37 (hg19) VCF-style: chr3-128205058-G-GGGT.
Other names: c.380_382dupACC (NM_032638.4); c.380_382dup, p.His127_Pro128insHis (NM_001145661.2, NM_001145662.1).
Identifiers: ClinVar variation 4620635 (VCV004620635.1).